The following is an entry in ClinVar:

ClinVar aggregate classification (germline): Likely benign. Review status: criteria provided, single submitter (1 of 4 stars). 2 submissions from 2 submitters: Likely benign (1). 1 of the submissions does not count toward it. Last evaluated 2025-11-17.

Conditions:
CDKN1C-related disorder. Also called: CDKN1C-related condition.
Beckwith-Wiedemann syndrome (BWS). Also called: Exomphalos macroglossia gigantism syndrome; EMG SYNDROME. Identifiers: Orphanet 116, MedGen C0004903, MONDO:0007534, OMIM 130650.

Allele frequency attached by ClinVar (database versions not stated): ExAC 0.00002; gnomAD 0.00002; gnomAD exomes 0.00003 and 0.00006; TOPMed 0.00005.
gnomAD v4.1: 102 of 1,599,730 alleles (0.0064%); highest among the groups gnomAD compares: Non-Finnish European, 0.0076%; no homozygotes.

Submissions (2):

Labcorp Genetics (formerly Invitae), Labcorp
Classification: Likely benign for Beckwith-Wiedemann syndrome. Last evaluated: 2025-11-17. Review status: criteria provided, single submitter. Criteria: Invitae Variant Classification Sherloc (09022015). Collection method: clinical testing. Allele origin: germline.

PreventionGenetics, part of Exact Sciences
Classification: Likely benign for CDKN1C-related condition. Last evaluated: 2024-02-19. Review status: no assertion criteria provided. Collection method: clinical testing. Allele origin: germline. Not counted in ClinVar's aggregate classification.
Comment: This variant is classified as likely benign based on ACMG/AMP sequence variant interpretation guidelines (Richards et al. 2015 PMID: 25741868, with internal and published modifications).

NM_001122630.2(CDKN1C):c.138C>T (p.Asp46=)

Gene: CDKN1C (cyclin dependent kinase inhibitor 1C; minus strand). Cytogenetic location: 11p15.4.
Variant type: single nucleotide variant.
Coding change: c.138C>T on transcript NM_001122630.2 (MANE Select); coding-DNA position 138, C replaced by T.
Protein change: p.Asp46=; no amino-acid change (aspartic acid 46 retained).
Molecular consequence: synonymous variant.
Genome position (GRCh38, 1-based): chr11:2,885,319, G>A on the plus strand (C>T on the coding strand, the complement: CDKN1C is on the minus strand). VCF-style: chr11-2885319-G-A. GRCh37 (hg19) VCF-style: chr11-2906549-G-A.
Other names: c.171C>T, p.Asp57= (LRG_533t1, NM_000076.2, NM_001362474.2); c.138C>T, p.Asp46= (NM_001122631.2, NM_001362475.2).
Identifiers: ClinVar variation 412864 (VCV000412864.13), dbSNP rs777465972, ClinGen allele CA5822230.